The following is an entry in ClinVar:

NM_006231.4(POLE):c.6631C>T (p.Leu2211=)

Gene: POLE (DNA polymerase epsilon, catalytic subunit; minus strand). Cytogenetic location: 12q24.33.
Variant type: single nucleotide variant.
Coding change: c.6631C>T on transcript NM_006231.4 (MANE Select); coding-DNA position 6631, C replaced by T.
Protein change: p.Leu2211=; no amino-acid change (leucine 2211 retained).
Molecular consequence: synonymous variant.
Genome position (GRCh38, 1-based): chr12:132,625,671, G>A on the plus strand (C>T on the coding strand, the complement: POLE is on the minus strand). VCF-style: chr12-132625671-G-A. GRCh37 (hg19) VCF-style: chr12-133202257-G-A.
Identifiers: ClinVar variation 240608 (VCV000240608.14), dbSNP rs769635764, ClinGen allele CA6892118.

ClinVar aggregate classification (germline): Conflicting classifications of pathogenicity. Review status: criteria provided, conflicting classifications (1 of 4 stars). 3 submissions from 3 submitters: Uncertain significance (1); Likely benign (2). Last evaluated 2025-07-27.

Conditions:
Hereditary cancer-predisposing syndrome. Also called: Tumor predisposition; Neoplastic Syndromes, Hereditary; Hereditary Cancer Syndrome; Hereditary neoplastic syndrome. Identifiers: Orphanet 140162, MedGen C0027672, MeSH D009386, MONDO:0015356.

Allele frequency attached by ClinVar (database versions not stated): TOPMed below 0.00001; ExAC 0.00001; gnomAD 0.00001; gnomAD exomes 0.00001.
gnomAD v4.1: 15 of 1,613,636 alleles (0.00093%); highest among the groups gnomAD compares: Non-Finnish European, 0.0013%; no homozygotes.

Submissions (3):

Labcorp Genetics (formerly Invitae), Labcorp
Classification: Likely benign. Last evaluated: 2025-07-27. Review status: criteria provided, single submitter. Criteria: Invitae Variant Classification Sherloc (09022015). Collection method: clinical testing. Allele origin: germline.

GeneDx
Classification: Uncertain significance. Last evaluated: 2022-09-01. Review status: criteria provided, single submitter. Criteria: GeneDx Variant Classification Process June 2021. Collection method: clinical testing. Allele origin: germline. Affected: yes.
Comment: Not observed at significant frequency in large population cohorts (gnomAD); In silico analysis supports that this variant does not alter splicing; Has not been previously published as pathogenic or benign to our knowledge

Ambry Genetics
Classification: Likely benign for Hereditary cancer-predisposing syndrome. Last evaluated: 2015-09-04. Review status: criteria provided, single submitter. Criteria: Ambry Variant Classification Scheme 2023. Collection method: clinical testing. Allele origin: germline.